The following is an entry in ClinVar:

NM_000346.4(SOX9):c.1196C>T (p.Thr399Met)

Gene: SOX9 (SRY-box transcription factor 9; plus strand). Cytogenetic location: 17q24.3.
Variant type: single nucleotide variant.
Coding change: c.1196C>T on transcript NM_000346.4 (MANE Select); coding-DNA position 1196, C replaced by T.
Protein change: p.Thr399Met; replaces threonine 399 with methionine.
Molecular consequence: missense variant.
Genome position (GRCh38, 1-based): chr17:72,124,053, C>T. VCF-style: chr17-72124053-C-T. GRCh37 (hg19) VCF-style: chr17-70120194-C-T.
Other names: short protein forms T399M.
Identifiers: ClinVar variation 2717156 (VCV002717156.3), dbSNP rs1241721586, ClinGen allele CA400867910.

ClinVar aggregate classification (germline): Uncertain significance (1 of 4 stars; one submission).

Conditions:
Camptomelic dysplasia (CMPD). Also called: Campomelic Dysplasia; CMPD1/SRA1. Identifiers: Orphanet 140, MedGen C1861922, MONDO:0007251, OMIM 114290.

Allele frequency attached by ClinVar (database versions not stated): gnomAD exomes below 0.00001.

Submission:

Labcorp Genetics (formerly Invitae), Labcorp
Classification: Uncertain significance for Camptomelic dysplasia. Last evaluated: 2023-02-11. Review status: criteria provided, single submitter. Criteria: Invitae Variant Classification Sherloc (09022015). Collection method: clinical testing. Allele origin: germline.
Comment: This sequence change replaces threonine, which is neutral and polar, with methionine, which is neutral and non-polar, at codon 399 of the SOX9 protein (p.Thr399Met). This variant is not present in population databases (gnomAD no frequency). This variant has not been reported in the literature in individuals affected with SOX9-related conditions. Advanced modeling of protein sequence and biophysical properties (such as structural, functional, and spatial information, amino acid conservation, physicochemical variation, residue mobility, and thermodynamic stability) performed at Invitae indicates that this missense variant is not expected to disrupt SOX9 protein function. In summary, the available evidence is currently insufficient to determine the role of this variant in disease. Therefore, it has been classified as a Variant of Uncertain Significance.